The following is an entry in ClinVar:

ClinVar aggregate classification (germline): Uncertain significance (1 of 4 stars; one submission).

Conditions:
Hypertrophic cardiomyopathy. Also called: HYPERTROPHIC MYOCARDIOPATHY. Identifiers: Orphanet 217569, MedGen C0007194, MeSH D002312, MONDO:0005045, HP:0001639.

Submission:

All of Us Research Program, National Institutes of Health
Classification: Uncertain significance for Hypertrophic cardiomyopathy. Last evaluated: 2024-09-11. Review status: criteria provided, single submitter. Criteria: ACMG Guidelines, 2015. Collection method: clinical testing. Allele origin: germline. Inheritance: Autosomal dominant inheritance. Observed: 1 variant allele, 1 heterozygote.
Comment: This study involves interpretation of variants in research participants for the purpose of population health screening. Participant phenotype was not available at the time of variant classification. Additional details can be found in publication PMID: 35346344, PMCID: PMC8962531

NM_001018005.2(TPM1):c.851+2T>C

Gene: TPM1 (tropomyosin 1; plus strand). Cytogenetic location: 15q22.2.
Variant type: single nucleotide variant.
Coding change: c.851+2T>C on transcript NM_001018005.2 (MANE Select); the canonical splice donor site of the intron after coding-DNA position 851, T replaced by C.
Molecular consequence: splice donor variant. On other transcripts: stop lost (11), 3 prime UTR variant (3), non-coding transcript variant (3), intron variant (18).
Genome position (GRCh38, 1-based): chr15:63,064,144, T>C. VCF-style: chr15-63064144-T-C. GRCh37 (hg19) VCF-style: chr15-63356343-T-C.
Other names: c.853T>C, p.Ter285Gln (NM_000366.6, NM_001365779.1, NM_001407330.1 and 4 more transcripts); c.745T>C, p.Ter249Gln (NM_001365781.2, NM_001365782.1); c.979T>C, p.Ter327Gln (NM_001407323.1, NM_001407324.1); c.*1335T>C (NM_001407325.1, NM_001407340.1, NM_001407341.1); c.898+1499T>C (NM_001365778.1); c.772+1499T>C (NM_001407336.1, NM_001018020.2, NM_001407338.1 and 8 more transcripts); c.851+2T>C (NM_001407326.1, NM_001407329.1, NM_001301244.2 and 1 more transcripts); c.977+2T>C (NM_001407322.1); and 2 more.
Identifiers: ClinVar variation 3386136 (VCV003386136.1).